The following is an entry in ClinVar:

NM_000093.5(COL5A1):c.2700+16C>T

Gene: COL5A1 (collagen type V alpha 1 chain; plus strand). Cytogenetic location: 9q34.3.
Variant type: single nucleotide variant.
Coding change: c.2700+16C>T on transcript NM_000093.5 (MANE Select); 16 bases into the intron after coding-DNA position 2700, C replaced by T.
Molecular consequence: intron variant.
Genome position (GRCh38, 1-based): chr9:134,789,224, C>T. VCF-style: chr9-134789224-C-T. GRCh37 (hg19) VCF-style: chr9-137681070-C-T.
Other names: c.2700+16C>T (NM_001278074.1).
Identifiers: ClinVar variation 391296 (VCV000391296.6), dbSNP rs371771646, ClinGen allele CA5319529.

ClinVar aggregate classification (germline): Benign/Likely benign. Review status: criteria provided, multiple submitters, no conflicts (2 of 4 stars). 2 submissions from 2 submitters: Benign (1); Likely benign (1). Last evaluated 2026-01-14.

Conditions:
Ehlers-Danlos syndrome, classic type, 1 (EDSCL1). Also called: EHLERS-DANLOS SYNDROME, GRAVIS TYPE; EHLERS-DANLOS SYNDROME, SEVERE CLASSIC TYPE; Ehlers-Danlos Syndrome, Classic Type, COL5A1-Related; EDS I; Ehlers-Danlos syndrome, type 1. Identifiers: MedGen C0268335, MONDO:0019567, OMIM 130000.

Allele frequency attached by ClinVar (database versions not stated): gnomAD 0.00056 and 0.00051; gnomAD exomes 0.00010; ESP Exome Variant Server 0.00054; ExAC 0.00015; TOPMed 0.00052.
gnomAD v4.1: 137 of 1,611,082 alleles (0.0085%); highest among the groups gnomAD compares: African/African-American, 0.17%; no homozygotes.

Submissions (2):

Labcorp Genetics (formerly Invitae), Labcorp
Classification: Benign for Ehlers-Danlos syndrome, classic type, 1. Last evaluated: 2026-01-14. Review status: criteria provided, single submitter. Criteria: Invitae Variant Classification Sherloc (09022015). Collection method: clinical testing. Allele origin: germline.

GeneDx
Classification: Likely benign. Last evaluated: 2016-12-05. Review status: criteria provided, single submitter. Criteria: GeneDx Variant Classification (06012015). Collection method: clinical testing. Allele origin: germline. Affected: yes.
Comment: This variant is considered likely benign or benign based on one or more of the following criteria: it is a conservative change, it occurs at a poorly conserved position in the protein, it is predicted to be benign by multiple in silico algorithms, and/or has population frequency not consistent with disease.